The following is an entry in ClinVar:

NM_001375524.1(TRRAP):c.3695C>T (p.Ala1232Val)

Gene: TRRAP (transformation/transcription domain associated protein; plus strand). Cytogenetic location: 7q22.1.
Variant type: single nucleotide variant.
Coding change: c.3695C>T on transcript NM_001375524.1 (MANE Select); coding-DNA position 3695, C replaced by T.
Protein change: p.Ala1232Val; replaces alanine 1232 with valine.
Molecular consequence: missense variant.
Genome position (GRCh38, 1-based): chr7:98,931,508, C>T. VCF-style: chr7-98931508-C-T. GRCh37 (hg19) VCF-style: chr7-98529131-C-T.
Other names: c.3695C>T, p.Ala1232Val (NM_001244580.2, NM_003496.4); short protein forms A1232V.
Identifiers: ClinVar variation 3600393 (VCV003600393.1).

ClinVar aggregate classification (germline): Uncertain significance (1 of 4 stars; one submission).

Conditions:
Developmental delay with or without dysmorphic facies and autism. Identifiers: MedGen C5193106, MONDO:0032760, OMIM 618454.

gnomAD v4.1: 20 of 1,614,042 alleles (0.0012%); highest among the groups gnomAD compares: Non-Finnish European, 0.0017%; no homozygotes.

Submission:

Clinical Genomics Laboratory, Washington University in St. Louis
Classification: Uncertain significance for Developmental delay with or without dysmorphic facies and autism. Last evaluated: 2024-09-27. Review status: criteria provided, single submitter. Criteria: ACMG Guidelines, 2015. Collection method: clinical testing. Allele origin: germline.
Comment: The TRRAP c.3695C>T (p.Ala1232Val) variant, to our knowledge, has not been reported in the medical literature and is absent from the general population (gnomAD v.2.1.1), indicating it is not a common variant. Computational predictors suggest that the variant may not impact TRRAP function. Due to limited information, and based on ACMG/AMP guidelines for variant interpretation (Richards S et al., PMID: 25741868), the clinical significance of this variant is uncertain at this time.